The following is an entry in ClinVar:

ClinVar aggregate classification (germline): Conflicting classifications of pathogenicity. Review status: criteria provided, conflicting classifications (1 of 4 stars). 4 submissions from 4 submitters: Uncertain significance (2); Likely benign (1). 1 of the submissions does not count toward it. Last evaluated 2023-07-12.

Conditions:
Hereditary cancer-predisposing syndrome. Also called: Hereditary neoplastic syndrome; Neoplastic Syndromes, Hereditary; Hereditary Cancer Syndrome; Tumor predisposition. Identifiers: Orphanet 140162, MedGen C0027672, MeSH D009386, MONDO:0015356.
Familial cancer of breast. Also called: BREAST CANCER, FAMILIAL; hereditary breast carcinoma; Hereditary breast cancer. Identifiers: Orphanet 227535, MedGen C0346153, MONDO:0016419, OMIM 114480. Disease mechanism: loss of function.
Fanconi anemia complementation group N. Also called: PALB2-Related Fanconi Anemia. Identifiers: Orphanet 84, MedGen C1835817, MONDO:0012565, OMIM 610832. Disease mechanism: loss of function.
Pancreatic cancer, susceptibility to, 3. Identifiers: Orphanet 1333, MedGen C3150547, MONDO:0013236, OMIM 613348.

Allele frequency attached by ClinVar (database versions not stated): gnomAD exomes below 0.00001.
gnomAD v4.1: 1 of 1,614,108 alleles (0.000062%); highest among the groups gnomAD compares: Non-Finnish European, 0.000085%; no homozygotes.

Submissions (4):

Ambry Genetics
Classification: Likely benign for Hereditary cancer-predisposing syndrome. Last evaluated: 2023-07-12. Review status: criteria provided, single submitter. Criteria: Ambry Variant Classification Scheme 2023. Collection method: clinical testing. Allele origin: germline.

Labcorp Genetics (formerly Invitae), Labcorp
Classification: Uncertain significance for Familial cancer of breast. Last evaluated: 2023-02-27. Review status: criteria provided, single submitter. Criteria: Invitae Variant Classification Sherloc (09022015). Collection method: clinical testing. Allele origin: germline.
Comment: This sequence change replaces isoleucine, which is neutral and non-polar, with valine, which is neutral and non-polar, at codon 1013 of the PALB2 protein (p.Ile1013Val). This variant is not present in population databases (gnomAD no frequency). This missense change has been observed in individual(s) with breast cancer (PMID: 26976419). ClinVar contains an entry for this variant (Variation ID: 574028). Advanced modeling of protein sequence and biophysical properties (such as structural, functional, and spatial information, amino acid conservation, physicochemical variation, residue mobility, and thermodynamic stability) performed at Invitae indicates that this missense variant is not expected to disrupt PALB2 protein function. In summary, the available evidence is currently insufficient to determine the role of this variant in disease. Therefore, it has been classified as a Variant of Uncertain Significance.

Fulgent Genetics
Classification: Uncertain significance for Familial cancer of breast; Fanconi anemia complementation group N; Pancreatic cancer, susceptibility to, 3. Last evaluated: 2021-10-12. Review status: criteria provided, single submitter. Criteria: ACMG Guidelines, 2015. Collection method: clinical testing. Allele origin: unknown.

Leiden Open Variation Database
Classification: Uncertain significance. Last evaluated: 2019-05-13. Review status: no assertion criteria provided. Collection method: curation. Allele origin: germline. Affected: yes. Not counted in ClinVar's aggregate classification.
Comment: Curators: Marc Tischkowitz, Arleen D. Auerbach. Submitter to LOVD: Andreas Laner.

Literature cited by the submitters: PubMed 26976419 (cited by Labcorp Genetics (formerly Invitae), Labcorp).

NM_024675.4(PALB2):c.3037A>G (p.Ile1013Val)

Gene: PALB2 (partner and localizer of BRCA2; minus strand). Cytogenetic location: 16p12.2.
Variant type: single nucleotide variant.
Coding change: c.3037A>G on transcript NM_024675.4 (MANE Select); coding-DNA position 3037, A replaced by G.
Protein change: p.Ile1013Val; replaces isoleucine 1013 with valine.
Molecular consequence: missense variant.
Genome position (GRCh38, 1-based): chr16:23,621,438, T>C on the plus strand (A>G on the coding strand, the complement: PALB2 is on the minus strand). VCF-style: chr16-23621438-T-C. GRCh37 (hg19) VCF-style: chr16-23632759-T-C.
Other names: short protein forms I1013V.
Identifiers: ClinVar variation 574028 (VCV000574028.14), dbSNP rs1567212950, ClinGen allele CA395143060.
Genomic context (GRCh38, chr16:23,621,438, plus strand): 5'-TCATAATAGTAGTACCAAGCAGAGCTTCTTGCATCCCTTGGACCTCAGCAAAAGTTAGTA[T>C]AGTCTCCTCAGGGGGCATCAAAAATTGGTTTTCTTTGCCTCTGTAATTAAAACAGTATGA-3'
Protein context (NP_078951.2, residues 1003-1023): NQFLMPPEET[Ile1013Val]LTFAEVQGMQ